The following is an entry in ClinVar:

NM_004100.5(EYA4):c.1137C>T (p.Thr379=)

Gene: EYA4 (EYA transcriptional coactivator and phosphatase 4; plus strand). Cytogenetic location: 6q23.2.
Variant type: single nucleotide variant.
Coding change: c.1137C>T on transcript NM_004100.5 (MANE Select); coding-DNA position 1137, C replaced by T.
Protein change: p.Thr379=; no amino-acid change (threonine 379 retained).
Molecular consequence: synonymous variant.
Genome position (GRCh38, 1-based): chr6:133,483,061, C>T. VCF-style: chr6-133483061-C-T. GRCh37 (hg19) VCF-style: chr6-133804199-C-T.
Other names: c.975C>T, p.Thr325= (NM_001301012.2); c.1155C>T, p.Thr385= (NM_001301013.2); c.1068C>T, p.Thr356= (NM_001370458.1, NM_172103.4); c.993C>T, p.Thr331= (NM_001370459.1); c.1137C>T, p.Thr379= (NM_172105.4).
Identifiers: ClinVar variation 1103631 (VCV001103631.11), dbSNP rs151245774, ClinGen allele CA4008260.

ClinVar aggregate classification (germline): Likely benign. Review status: criteria provided, multiple submitters, no conflicts (2 of 4 stars). 3 submissions from 3 submitters: Likely benign (3). Last evaluated 2025-10-27.

Conditions:
Cardiovascular phenotype. Identifiers: MedGen CN230736.
Dilated cardiomyopathy 1J (CMD1J). Also called: CARDIOMYOPATHY, DILATED, WITH SENSORINEURAL HEARING LOSS, AUTOSOMAL DOMINANT. Identifiers: Orphanet 217622, MedGen C1854368, MONDO:0011541, OMIM 605362.

Allele frequency attached by ClinVar (database versions not stated): gnomAD exomes 0.00002 and 0.00003; ExAC 0.00004; ESP Exome Variant Server 0.00015; gnomAD 0.00002.
gnomAD v4.1: 45 of 1,612,906 alleles (0.0028%); highest among the groups gnomAD compares: Non-Finnish European, 0.0038%; no homozygotes.

Submissions (3):

Labcorp Genetics (formerly Invitae), Labcorp
Classification: Likely benign for Dilated cardiomyopathy 1J. Last evaluated: 2025-10-27. Review status: criteria provided, single submitter. Criteria: Invitae Variant Classification Sherloc (09022015). Collection method: clinical testing. Allele origin: germline.

Ambry Genetics
Classification: Likely benign for Cardiovascular phenotype. Last evaluated: 2024-06-21. Review status: criteria provided, single submitter. Criteria: Ambry Variant Classification Scheme 2023. Collection method: clinical testing. Allele origin: germline.

GeneDx
Classification: Likely benign. Last evaluated: 2021-06-01. Review status: criteria provided, single submitter. Criteria: GeneDx Variant Classification Process June 2021. Collection method: clinical testing. Allele origin: germline. Affected: yes.
Comment: This variant is associated with the following publications: (PMID: 27535533, 26582918)